The following is an entry in ClinVar:

ClinVar aggregate classification (germline): Likely benign (0 of 4 stars; one submission).

Conditions:
SBF2-related disorder. Also called: SBF2-related condition.

gnomAD v4.1: 1 of 1,614,128 alleles (0.000062%); highest among the groups gnomAD compares: Non-Finnish European, 0.000085%; no homozygotes.

Submission:

PreventionGenetics, part of Exact Sciences
Classification: Likely benign for SBF2-related condition. Last evaluated: 2021-08-24. Review status: no assertion criteria provided. Collection method: clinical testing. Allele origin: germline.
Comment: This variant is classified as likely benign based on ACMG/AMP sequence variant interpretation guidelines (Richards et al. 2015 PMID: 25741868, with internal and published modifications).

NM_030962.4(SBF2):c.3291C>T (p.Thr1097=)

Genes: SBF2 (SET binding factor 2; minus strand), LOC101928008 (uncharacterized LOC101928008; plus strand). Cytogenetic location: 11p15.4.
Variant type: single nucleotide variant.
Coding change: c.3291C>T on transcript NM_030962.4 (MANE Select); coding-DNA position 3291, C replaced by T.
Protein change: p.Thr1097=; no amino-acid change (threonine 1097 retained).
Molecular consequence: synonymous variant.
Genome position (GRCh38, 1-based): chr11:9,839,662, G>A on the plus strand (C>T on the coding strand, the complement: SBF2 is on the minus strand). VCF-style: chr11-9839662-G-A. GRCh37 (hg19) VCF-style: chr11-9861209-G-A.
Other names: c.3291C>T, p.Thr1097= (NM_001386339.1); c.3162C>T, p.Thr1054= (NM_001386342.1); c.3327C>T, p.Thr1109= (NM_001424318.1, NM_001425069.1, NM_001425070.1).
Identifiers: ClinVar variation 3061004 (VCV003061004.2), dbSNP rs2494736378, ClinGen allele CA473067501.